The following is an entry in ClinVar:

ClinVar aggregate classification (germline): Uncertain significance (1 of 4 stars; one submission).

gnomAD v4.1: 1 of 1,607,414 alleles (0.000062%); highest among the groups gnomAD compares: Non-Finnish European, 0.000085%; no homozygotes.

Submission:

Labcorp Genetics (formerly Invitae), Labcorp
Classification: Uncertain significance. Last evaluated: 2025-04-21. Review status: criteria provided, single submitter. Criteria: Invitae Variant Classification Sherloc (09022015). Collection method: clinical testing. Allele origin: germline.
Comment: This sequence change replaces isoleucine, which is neutral and non-polar, with valine, which is neutral and non-polar, at codon 25 of the PPARG protein (p.Ile25Val). This variant is present in population databases (no rsID available, gnomAD 0.0009%). This variant has not been reported in the literature in individuals affected with PPARG-related conditions. Invitae Evidence Modeling of protein sequence and biophysical properties (such as structural, functional, and spatial information, amino acid conservation, physicochemical variation, residue mobility, and thermodynamic stability) indicates that this missense variant is not expected to disrupt PPARG protein function with a negative predictive value of 95%. In summary, the available evidence is currently insufficient to determine the role of this variant in disease. Therefore, it has been classified as a Variant of Uncertain Significance.

NM_138711.6(PPARG):c.-8-28039A>G

Gene: PPARG (peroxisome proliferator activated receptor gamma; plus strand). Cytogenetic location: 3p25.2.
Variant type: single nucleotide variant.
Coding change: c.-8-28039A>G on transcript NM_138711.6 (MANE Select); 28039 bases into the intron before 8 bases upstream of the start codon, A replaced by G.
Molecular consequence: intron variant. On other transcripts: missense variant (3).
Genome position (GRCh38, 1-based): chr3:12,351,665, A>G. VCF-style: chr3-12351665-A-G. GRCh37 (hg19) VCF-style: chr3-12393164-A-G.
Other names: c.73A>G, p.Ile25Val (NM_001354668.2, NM_001374265.1, NM_015869.5); c.-8-28039A>G (NM_001354666.3, NM_138712.5, NM_005037.7 and 5 more transcripts); c.-435-28039A>G (NM_001354669.2); c.-9+6771A>G (NM_001374262.3); c.-2-28039A>G (NM_001374266.1, NM_001354670.2); short protein forms I25V.
Identifiers: ClinVar variation 4811860 (VCV004811860.1).